The following is an entry in ClinVar:

NM_000089.4(COL1A2):c.3268G>A (p.Gly1090Ser)

Gene: COL1A2 (collagen type I alpha 2 chain; plus strand). Cytogenetic location: 7q21.3.
Variant type: single nucleotide variant.
Coding change: c.3268G>A on transcript NM_000089.4 (MANE Select); coding-DNA position 3268, G replaced by A.
Protein change: p.Gly1090Ser; replaces glycine 1090 with serine.
Molecular consequence: missense variant.
Genome position (GRCh38, 1-based): chr7:94,427,627, G>A. VCF-style: chr7-94427627-G-A. GRCh37 (hg19) VCF-style: chr7-94056939-G-A.
Other names: short protein forms G1090S.
Identifiers: ClinVar variation 2946497 (VCV002946497.4), dbSNP rs72659336, ClinGen allele CA368225624.

ClinVar aggregate classification (germline): Pathogenic/Likely pathogenic. Review status: criteria provided, multiple submitters, no conflicts (2 of 4 stars). 2 submissions from 2 submitters: Pathogenic (1); Likely pathogenic (1). Last evaluated 2026-03-11.

Conditions:
Osteogenesis imperfecta type I (OI1). Also called: OI, TYPE I; OSTEOGENESIS IMPERFECTA TARDA; OSTEOGENESIS IMPERFECTA WITH BLUE SCLERAE; Osteogenesis imperfecta type 1; Classic Non-deforming Osteogenesis Imperfecta with Blue Sclerae; Lobstein's Disease. Identifiers: Orphanet 216796, Orphanet 666, MedGen C0023931, MONDO:0008146, OMIM 166200. Disease mechanism: loss of function.
Ehlers-Danlos syndrome, classic type, 1 (EDSCL1). Also called: EHLERS-DANLOS SYNDROME, GRAVIS TYPE; EHLERS-DANLOS SYNDROME, SEVERE CLASSIC TYPE; EDS I; Ehlers-Danlos syndrome, type 1; Ehlers-Danlos Syndrome, Classic Type, COL5A1-Related. Identifiers: MedGen C0268335, MONDO:0019567, OMIM 130000.

Submissions (2):

GeneDx
Classification: Pathogenic. Last evaluated: 2026-03-11. Review status: criteria provided, single submitter. Criteria: GeneDx Variant Classification Process June 2021. Collection method: clinical testing. Allele origin: germline.
Comment: Not observed at significant frequency in large population cohorts (gnomAD); In silico analysis supports that this missense variant has a deleterious effect on protein structure/function; Has not been previously published as pathogenic or benign to our knowledge; Occurs in the triple helical domain and replaces the glycine in the canonical Gly-X-Y repeat; missense substitution of a canonical glycine residue is expected to disrupt normal protein folding and function, and this is an established mechanism of disease (PMID: 34007986); This variant is associated with the following publications: (PMID: 35044492, 34007986)

Labcorp Genetics (formerly Invitae), Labcorp
Classification: Likely pathogenic for Osteogenesis imperfecta type I; Ehlers-Danlos syndrome, classic type, 1. Last evaluated: 2024-07-17. Review status: criteria provided, single submitter. Criteria: Invitae Variant Classification Sherloc (09022015). Collection method: clinical testing. Allele origin: germline.
Comment: This sequence change replaces glycine, which is neutral and non-polar, with serine, which is neutral and polar, at codon 1090 of the COL1A2 protein (p.Gly1090Ser). This variant is not present in population databases (gnomAD no frequency). This missense change has been observed in individual(s) with clinical features of osteogenesis imperfecta (Invitae). Experimental studies and prediction algorithms are not available or were not evaluated, and the functional significance of this variant is currently unknown. This variant disrupts the triple helix domain of COL1A2. Glycine residues within the Gly-Xaa-Yaa repeats of the triple helix domain are required for the structure and stability of fibrillar collagens (PMID: 7695699, 8218237, 19344236). In COL1A2, variants affecting these glycine residues are significantly enriched in individuals with disease (PMID: 9016532, 17078022) compared to the general population (ExAC). This variant disrupts the p.Gly1090 amino acid residue in COL1A2. Other variant(s) that disrupt this residue have been observed in individuals with COL1A2-related conditions (PMID: 19208385), which suggests that this may be a clinically significant amino acid residue. In summary, the currently available evidence indicates that the variant is pathogenic, but additional data are needed to prove that conclusively. Therefore, this variant has been classified as Likely Pathogenic.

Literature cited by the submitters: PubMed 7695699 (cited by Labcorp Genetics (formerly Invitae), Labcorp); PubMed 8218237 (cited by Labcorp Genetics (formerly Invitae), Labcorp); PubMed 19344236 (cited by Labcorp Genetics (formerly Invitae), Labcorp); PubMed 9016532 (cited by Labcorp Genetics (formerly Invitae), Labcorp); PubMed 17078022 (cited by Labcorp Genetics (formerly Invitae), Labcorp); PubMed 19208385 (cited by Labcorp Genetics (formerly Invitae), Labcorp).